The following is an entry in ClinVar:

ClinVar aggregate classification (germline): Uncertain significance (1 of 4 stars; one submission).

Conditions:
Combined immunodeficiency due to DOCK8 deficiency (HIES2). Also called: HIES autosomal recessive; Hyper-IgE recurrent infection syndrome, autosomal recessive; DOCK8 Deficiency; HYPER-IgE RECURRENT INFECTION SYNDROME 2, AUTOSOMAL RECESSIVE; HYPER-IgE SYNDROME 2, AUTOSOMAL RECESSIVE, WITH RECURRENT INFECTIONS. Identifiers: Orphanet 217390, MedGen C4722305, MONDO:0009478, OMIM 243700.

Submission:

Labcorp Genetics (formerly Invitae), Labcorp
Classification: Uncertain significance for Combined immunodeficiency due to DOCK8 deficiency. Last evaluated: 2022-09-27. Review status: criteria provided, single submitter. Criteria: Invitae Variant Classification Sherloc (09022015). Collection method: clinical testing. Allele origin: germline.
Comment: This variant results in a copy number gain of the genomic region encompassing exon(s) 27-48 of the DOCK8 gene. This region includes the termination codon of the gene. This copy number gain extends beyond the assayed region for this gene and therefore may encompass additional genes. As the precise location of this event is unknown, it may be in tandem or it may be located elsewhere in the genome. This variant has not been reported in the literature in individuals affected with DOCK8-related conditions. In summary, the available evidence is currently insufficient to determine the role of this variant in disease. Therefore, it has been classified as a Variant of Uncertain Significance.

NC_000009.11:g.(?_404898)_(464219_?)dup

Gene: DOCK8 (dedicator of cytokinesis 8; plus strand). Cytogenetic location: 9p24.3.
Variant type: Duplication.
Identifiers: ClinVar variation 2427718 (VCV002427718.7).